The following is an entry in ClinVar:

ClinVar aggregate classification (germline): Benign/Likely benign. Review status: criteria provided, multiple submitters, no conflicts (2 of 4 stars). 5 submissions from 5 submitters: Benign (1); Likely benign (4). Last evaluated 2025-12-22.

Conditions:
Tuberous sclerosis syndrome (TSC). Also called: Tuberous Sclerosis Complex; Tuberous sclerosis. Identifiers: Orphanet 805, MedGen C0041341, MONDO:0001734.
Tuberous sclerosis 2 (TSC2). Identifiers: Orphanet 805, MedGen C1860707, MONDO:0013199, OMIM 613254.

Allele frequency attached by ClinVar (database versions not stated): TOPMed below 0.00001; gnomAD 0.00001; gnomAD exomes 0.00001 and 0.00003; ExAC 0.00002; ESP Exome Variant Server 0.00008.
gnomAD v4.1: 18 of 1,613,912 alleles (0.0011%); highest among the groups gnomAD compares: Middle Eastern, 0.016%; no homozygotes.

Submissions (5):

Labcorp Genetics (formerly Invitae), Labcorp
Classification: Likely benign for Tuberous sclerosis 2. Last evaluated: 2025-12-22. Review status: criteria provided, single submitter. Criteria: Invitae Variant Classification Sherloc (09022015). Collection method: clinical testing. Allele origin: germline.

Myriad Genetics, Inc.
Classification: Benign for Tuberous sclerosis 2. Last evaluated: 2025-05-19. Review status: criteria provided, single submitter. Criteria: Myriad Autosomal Dominant, Autosomal Recessive and X-Linked Classification Criteria (2023). Collection method: clinical testing. Allele origin: unknown.
Comment: This variant is considered benign. This variant is intronic and is not expected to impact mRNA splicing. This variant has been observed at a population frequency that is significantly greater than expected given the associated disease prevalence and penetrance.

All of Us Research Program, National Institutes of Health
Classification: Likely benign for Tuberous sclerosis syndrome. Last evaluated: 2023-10-06. Review status: criteria provided, single submitter. Criteria: ACMG Guidelines, 2015. Collection method: clinical testing. Allele origin: germline. Inheritance: Autosomal dominant inheritance. Observed: 1 variant allele, 1 heterozygote.
Comment: This study involves interpretation of variants in research participants for the purpose of population health screening. Participant phenotype was not available at the time of variant classification. Additional details can be found in publication PMID: 35346344, PMCID: PMC8962531

Color Diagnostics, LLC DBA Color Health
Classification: Likely benign for Tuberous sclerosis syndrome. Last evaluated: 2022-11-22. Review status: criteria provided, single submitter. Criteria: ACMG Guidelines, 2015. Collection method: clinical testing. Allele origin: germline.

GeneDx
Classification: Likely benign. Last evaluated: 2018-09-13. Review status: criteria provided, single submitter. Criteria: GeneDx Variant Classification Process June 2021. Collection method: clinical testing. Allele origin: germline. Affected: yes.

NM_000548.5(TSC2):c.2098-13C>T

Gene: TSC2 (TSC complex subunit 2; plus strand). Cytogenetic location: 16p13.3.
Variant type: single nucleotide variant.
Coding change: c.2098-13C>T on transcript NM_000548.5 (MANE Select); 13 bases into the intron before coding-DNA position 2098, C replaced by T.
Molecular consequence: intron variant.
Genome position (GRCh38, 1-based): chr16:2,072,228, C>T. VCF-style: chr16-2072228-C-T. GRCh37 (hg19) VCF-style: chr16-2122229-C-T.
Other names: c.2098-13C>T (NM_001114382.3, NM_021055.3, NM_001370405.1 and 3 more transcripts); c.1987-13C>T (NM_001318827.2); c.1498-13C>T (NM_001318831.2); c.1951-13C>T (NM_001318829.2); c.2131-13C>T (NM_001318832.2).
Identifiers: ClinVar variation 1203780 (VCV001203780.13), dbSNP rs375903453, ClinGen allele CA036491.